The following is an entry in ClinVar:

ClinVar aggregate classification (germline): Uncertain significance. Review status: criteria provided, multiple submitters, no conflicts (2 of 4 stars). 3 submissions from 3 submitters: Uncertain significance (3). Last evaluated 2025-12-02.

Conditions:
Inborn genetic diseases. Identifiers: MedGen C0950123, MeSH D030342.

Allele frequency attached by ClinVar (database versions not stated): gnomAD exomes 0.00002 and 0.00003; ExAC 0.00004; gnomAD 0.00012; TOPMed 0.00012.
gnomAD v4.1: 47 of 1,613,432 alleles (0.0029%); highest among the groups gnomAD compares: African/African-American, 0.044%; no homozygotes.

Submissions (3):

Ambry Genetics
Classification: Uncertain significance for Inborn genetic diseases. Last evaluated: 2025-12-02. Review status: criteria provided, single submitter. Criteria: Ambry Variant Classification Scheme 2023. Collection method: clinical testing. Allele origin: germline.

Labcorp Genetics (formerly Invitae), Labcorp
Classification: Uncertain significance. Last evaluated: 2024-09-16. Review status: criteria provided, single submitter. Criteria: Invitae Variant Classification Sherloc (09022015). Collection method: clinical testing. Allele origin: germline.
Comment: This sequence change replaces glycine, which is neutral and non-polar, with arginine, which is basic and polar, at codon 132 of the TRPM1 protein (p.Gly132Arg). This variant is present in population databases (rs781588390, gnomAD 0.03%). This variant has not been reported in the literature in individuals affected with TRPM1-related conditions. ClinVar contains an entry for this variant (Variation ID: 1398033). Invitae Evidence Modeling of protein sequence and biophysical properties (such as structural, functional, and spatial information, amino acid conservation, physicochemical variation, residue mobility, and thermodynamic stability) has been performed for this missense variant. However, the output from this modeling did not meet the statistical confidence thresholds required to predict the impact of this variant on TRPM1 protein function. In summary, the available evidence is currently insufficient to determine the role of this variant in disease. Therefore, it has been classified as a Variant of Uncertain Significance.

Blueprint Genetics
Classification: Uncertain significance. Last evaluated: 2024-05-16. Review status: criteria provided, single submitter. Criteria: ACMG Guidelines, 2015. Collection method: clinical testing. Allele origin: germline.

NM_001252024.2(TRPM1):c.460G>A (p.Gly154Arg)

Gene: TRPM1 (transient receptor potential cation channel subfamily M member 1; minus strand). Cytogenetic location: 15q13.3.
Variant type: single nucleotide variant.
Coding change: c.460G>A on transcript NM_001252024.2 (MANE Select); coding-DNA position 460, G replaced by A.
Protein change: p.Gly154Arg; replaces glycine 154 with arginine.
Molecular consequence: missense variant.
Genome position (GRCh38, 1-based): chr15:31,067,912, C>T on the plus strand (G>A on the coding strand, the complement: TRPM1 is on the minus strand). VCF-style: chr15-31067912-C-T. GRCh37 (hg19) VCF-style: chr15-31360115-C-T.
Other names: c.394G>A (NM_002420.4); c.511G>A, p.Gly171Arg (NM_001252020.2); c.394G>A, p.Gly132Arg (NM_002420.6); short protein forms G154R, G132R, G171R.
Identifiers: ClinVar variation 1398033 (VCV001398033.8), dbSNP rs781588390, ClinGen allele CA7452951.